The following is an entry in ClinVar:

ClinVar aggregate classification (germline): Uncertain significance (1 of 4 stars; one submission).

Conditions:
ALMS1-related disorder. Also called: ALMS1-related condition.

Allele frequency attached by ClinVar (database versions not stated): gnomAD exomes below 0.00001.
gnomAD v4.1: 1 of 1,613,918 alleles (0.000062%); highest among the groups gnomAD compares: Non-Finnish European, 0.000085%; no homozygotes.

Submission:

PreventionGenetics, part of Exact Sciences
Classification: Uncertain significance for ALMS1-related condition. Last evaluated: 2023-12-05. Review status: criteria provided, single submitter. Criteria: ACMG Guidelines, 2015. Collection method: clinical testing. Allele origin: germline.
Comment: The ALMS1 c.12386A>G variant is predicted to result in the amino acid substitution p.Gln4129Arg. To our knowledge, this variant has not been reported in the literature. This variant is reported in 0.0070% of alleles in individuals of European (Non-Finnish) descent in gnomAD. At this time, the clinical significance of this variant is uncertain due to the absence of conclusive functional and genetic evidence.

NM_001378454.1(ALMS1):c.12383A>G (p.Glu4128Gly)

Gene: ALMS1 (ALMS1 centrosome and basal body associated protein; plus strand). Cytogenetic location: 2p13.1.
Variant type: single nucleotide variant.
Coding change: c.12383A>G on transcript NM_001378454.1 (MANE Select); coding-DNA position 12383, A replaced by G.
Protein change: p.Glu4128Gly; replaces glutamic acid 4128 with glycine.
Molecular consequence: missense variant.
Genome position (GRCh38, 1-based): chr2:73,608,495, A>G. VCF-style: chr2-73608495-A-G. GRCh37 (hg19) VCF-style: chr2-73835622-A-G.
Other names: c.12386A>G, p.Glu4129Gly (NM_015120.4); short protein forms E4128G, E4129G.
Identifiers: ClinVar variation 3039875 (VCV003039875.1), dbSNP rs2466540749, ClinGen allele CA347274617.
Genomic context (GRCh38, chr2:73,608,495, plus strand): 5'-CCTCCCCGATTTCTGTCCTTTCACTGGTGCCATTTCTAAGGATTTATGAGCAGCTTCCAG[A>G]AGTACAGAAAAAGAGAGAAGAAGAGAAGAGAAAATCAGAATATAAGTCATACCGGCTGCG-3'
Protein context (NP_001365383.1, residues 4118-4138): RSKRIYEQLP[Glu4128Gly]VQKKREEEKR